The following is an entry in ClinVar:

ClinVar aggregate classification (germline): Benign/Likely benign. Review status: criteria provided, multiple submitters, no conflicts (2 of 4 stars). 5 submissions from 5 submitters: Benign (1); Likely benign (3). 1 of the submissions does not count toward it. Last evaluated 2025-11-05.

Conditions:
Breast-ovarian cancer, familial, susceptibility to, 1 (BROVCA1). Also called: BRCA1 Hereditary Breast and Ovarian Cancer; OVARIAN CANCER, SUSCEPTIBILITY TO. Identifiers: Orphanet 145, MedGen C2676676, MONDO:0011450, OMIM 604370. Disease mechanism: loss of function.
Hereditary breast ovarian cancer syndrome. Also called: Hereditary breast and ovarian cancer syndrome; Breast and ovarian cancer; Hereditary breast and ovarian cancer syndrome (HBOC); Hereditary breast and/or ovarian cancer syndrome; BRCA1- and BRCA2-Associated Hereditary Breast and Ovarian Cancer; Hereditary breast and ovarian cancer. Identifiers: Orphanet 145, MedGen C0677776, MeSH D061325, MONDO:0003582. Disease mechanism: loss of function.
Hereditary cancer-predisposing syndrome. Also called: Neoplastic Syndromes, Hereditary; Hereditary neoplastic syndrome; Hereditary Cancer Syndrome; Tumor predisposition. Identifiers: Orphanet 140162, MedGen C0027672, MeSH D009386, MONDO:0015356.

Allele frequency attached by ClinVar (database versions not stated): gnomAD exomes below 0.00001 and 0.00003; ExAC 0.00007; gnomAD 0.00011; TOPMed 0.00014; 1000 Genomes Project 0.00040; 1000 Genomes Project 30x 0.00047.
gnomAD v4.1: 24 of 1,608,806 alleles (0.0015%); highest among the groups gnomAD compares: African/African-American, 0.027%; no homozygotes.

Submissions (6):

Labcorp Genetics (formerly Invitae), Labcorp
Classification: Likely benign for Hereditary breast ovarian cancer syndrome. Last evaluated: 2025-11-05. Review status: criteria provided, single submitter. Criteria: Invitae Variant Classification Sherloc (09022015). Collection method: clinical testing. Allele origin: germline.

Women's Health and Genetics/Laboratory Corporation of America, LabCorp
Classification: Benign. Last evaluated: 2024-05-13. Review status: criteria provided, single submitter. Criteria: LabCorp Variant Classification Summary - May 2015. Collection method: clinical testing. Allele origin: germline.
Comment: Variant summary: BRCA1 c.5278-20C>T alters a non-conserved nucleotide located at a position not widely known to affect splicing. Consensus agreement among computation tools predict no significant impact on normal splicing. However, these predictions have yet to be confirmed by functional studies. The variant allele was found at a frequency of 3.2e-05 in 250858 control chromosomes, predominantly at a frequency of 0.00049 within the African or African-American subpopulation in the gnomAD database. c.5278-20C>T has been reported in the literature in individuals affected with cancer (example, Alvarez_2017, Petrovics_2019). However, these reports do not provide unequivocal conclusions about association of the variant with Hereditary Breast And Ovarian Cancer Syndrome. At least one publication reports experimental evidence evaluating an impact on protein function. These results showed no damaging effect of this variant (Findlay_2018). HDR assays qualify as a recognized gold standard on the basis of updated guidance provided by the ClinGen Sequence Variant Interpretation (SVI) working group. The following publications have been ascertained in the context of this evaluation (PMID: 29088781, 30209399, 30542053). ClinVar contains an entry for this variant (Variation ID: 379110). Based on the evidence outlined above, the variant was classified as benign.

GeneDx
Classification: Likely benign. Last evaluated: 2017-07-13. Review status: criteria provided, single submitter. Criteria: GeneDx Variant Classification (06012015). Collection method: clinical testing. Allele origin: germline. Affected: yes.
Comment: This variant is considered likely benign or benign based on one or more of the following criteria: it is a conservative change, it occurs at a poorly conserved position in the protein, it is predicted to be benign by multiple in silico algorithms, and/or has population frequency not consistent with disease.

Color Diagnostics, LLC DBA Color Health
Classification: Likely benign for Hereditary cancer-predisposing syndrome. Last evaluated: 2015-12-09. Review status: criteria provided, single submitter. Criteria: ACMG Guidelines, 2015. Collection method: clinical testing. Allele origin: germline.

Counsyl
Classification: Likely benign for Breast-ovarian cancer, familial, susceptibility to, 1. Last evaluated: 2017-08-11. Review status: no assertion criteria provided. Collection method: clinical testing. Allele origin: unknown. Not counted in ClinVar's aggregate classification.

Brotman Baty Institute, University of Washington
No classification provided (evidence only). Condition: Breast-ovarian cancer, familial 1. Review status: no classification provided. Collection method: in vitro. Allele origin: not applicable. Functional consequence: functionally_normal. Not counted in ClinVar's aggregate classification.
ClinVar note: "not provided" was previously submitted as the classification for the variant. However, the classification appeared to be based only on an observation of functional data so it was converted to no classification on 2025-07-30.

Literature cited by the submitters: PubMed 29088781 (cited by Women's Health and Genetics/Laboratory Corporation of America, LabCorp); PubMed 30209399 (cited by Women's Health and Genetics/Laboratory Corporation of America, LabCorp); PubMed 30542053 (cited by Women's Health and Genetics/Laboratory Corporation of America, LabCorp).

NM_007294.4(BRCA1):c.5278-20C>T

Gene: BRCA1 (BRCA1 DNA repair associated; minus strand). Cytogenetic location: 17q21.31.
Variant type: single nucleotide variant.
Coding change: c.5278-20C>T on transcript NM_007294.4 (MANE Select); 20 bases into the intron before coding-DNA position 5278, C replaced by T.
Molecular consequence: intron variant.
Genome position (GRCh38, 1-based): chr17:43,051,137, G>A on the plus strand (C>T on the coding strand, the complement: BRCA1 is on the minus strand). VCF-style: chr17-43051137-G-A. GRCh37 (hg19) VCF-style: chr17-41203154-G-A.
Other names: c.1825-20C>T (NM_001408458.1, NM_001408461.1, NM_001408464.1 and 7 more transcripts); c.4387-20C>T (NM_001407967.1); c.4897-20C>T (NM_001407959.1); c.5011-20C>T (NM_001407931.1, NM_001407932.1, NM_001407928.1 and 4 more transcripts); c.5134-20C>T (NM_001407747.1, NM_001407745.1, NM_001407737.1 and 21 more transcripts); c.4894-20C>T (NM_001407962.1, NM_001407960.1); c.1465-20C>T (NM_001408512.1); c.1588-20C>T (NM_001408510.1); and 74 more.
Identifiers: ClinVar variation 379110 (VCV000379110.23), dbSNP rs193149108, ClinGen allele CA054369.